The following is an entry in ClinVar:

NM_000020.3(ACVRL1):c.199C>T (p.Arg67Trp)

Gene: ACVRL1 (activin A receptor like type 1; plus strand). Cytogenetic location: 12q13.13.
Variant type: single nucleotide variant.
Coding change: c.199C>T on transcript NM_000020.3 (MANE Select); coding-DNA position 199, C replaced by T.
Protein change: p.Arg67Trp; replaces arginine 67 with tryptophan.
Molecular consequence: missense variant.
Genome position (GRCh38, 1-based): chr12:51,913,236, C>T. VCF-style: chr12-51913236-C-T. GRCh37 (hg19) VCF-style: chr12-52307020-C-T.
Other names: c.199C>T, p.Arg67Trp (NM_001077401.2); short protein forms R67W.
Identifiers: ClinVar variation 426010 (VCV000426010.27), dbSNP rs1085307405, ClinGen allele CA384897887.
Genomic context (GRCh38, chr12:51,913,236, plus strand): 5'-CGGGGGGCCTGGTGCACAGTAGTGCTGGTGCGGGAGGAGGGGAGGCACCCCCAGGAACAT[C>T]GGGGCTGCGGGAACTTGCACAGGGAGCTCTGCAGGGGGCGCCCCACCGAGTTCGTCAACC-3'
Protein context (NP_000011.2, residues 57-77): REEGRHPQEH[Arg67Trp]GCGNLHRELC

ClinVar aggregate classification (germline): Pathogenic/Likely pathogenic. Review status: criteria provided, multiple submitters, no conflicts (2 of 4 stars). 9 submissions from 9 submitters: Pathogenic (5); Likely pathogenic (2). 2 of the submissions do not count toward it. Last evaluated 2026-02-02.

Conditions:
ACVRL1-related disorder. Also called: ACVRL1-related disorders; ACVRL1-related condition.
Pulmonary arterial hypertension related to hereditary hemorrhagic telangiectasia. Also called: PULMONARY ARTERIAL HYPERTENSION, HEREDITARY HEMORRHAGIC TELANGIECTASIA-RELATED. Identifiers: MedGen C1832529.
Telangiectasia, hereditary hemorrhagic, type 2 (HHT2). Also called: Telangiectasia, hereditary hemorrhagic, type II; ACVRL1-Related Hereditary Hemorrhagic Telangiectasia. Identifiers: Orphanet 774, MedGen C1838163, MONDO:0010880, OMIM 600376. Disease mechanism: loss of function.
Cardiovascular phenotype. Identifiers: MedGen CN230736.

Allele frequency attached by ClinVar (database versions not stated): gnomAD exomes below 0.00001; gnomAD 0.00001.

Submissions (9):

GeneDx
Classification: Likely pathogenic. Last evaluated: 2026-02-02. Review status: criteria provided, single submitter. Criteria: GeneDx Variant Classification Process June 2021. Collection method: clinical testing. Allele origin: germline. Affected: yes.
Comment: Not observed at significant frequency in large population cohorts (gnomAD); In silico analysis supports that this missense variant has a deleterious effect on protein structure/function; This variant is associated with the following publications: (PMID: 22028876, 34134972, 22553411, 31727138, 15712271, 16123970, 12114496, 23919827, 15266205, 17786384, 18285823, 16525724, 31455059, 20414677, 22377182, 33677851, 15712270, 39435198, 33919892)

Labcorp Genetics (formerly Invitae), Labcorp
Classification: Pathogenic for Telangiectasia, hereditary hemorrhagic, type 2. Last evaluated: 2025-08-25. Review status: criteria provided, single submitter. Criteria: Invitae Variant Classification Sherloc (09022015). Collection method: clinical testing. Allele origin: germline.
Comment: This sequence change replaces arginine, which is basic and polar, with tryptophan, which is neutral and slightly polar, at codon 67 of the ACVRL1 protein (p.Arg67Trp). The frequency data for this variant in the population databases is considered unreliable, as metrics indicate poor data quality at this position in the gnomAD database. This missense change has been observed in individuals with hereditary hemorrhagic telangiectasia (PMID: 12114496, 15712271, 16123970, 22377182, 22553411; internal data). It has also been observed to segregate with disease in related individuals. ClinVar contains an entry for this variant (Variation ID: 426010). Invitae Evidence Modeling of protein sequence and biophysical properties (such as structural, functional, and spatial information, amino acid conservation, physicochemical variation, residue mobility, and thermodynamic stability) has been performed for this missense variant. However, the output from this modeling did not meet the statistical confidence thresholds required to predict the impact of this variant on ACVRL1 protein function. This variant disrupts the p.Arg67 amino acid residue in ACVRL1. Other variant(s) that disrupt this residue have been determined to be pathogenic (PMID: 9245985, 15880681, 16706966, 17786384, 18498373, 23722869). This suggests that this residue is clinically significant, and that variants that disrupt this residue are likely to be disease-causing. For these reasons, this variant has been classified as Pathogenic.

ARUP Laboratories, Molecular Genetics and Genomics, ARUP Laboratories
Classification: Pathogenic for Telangiectasia, hereditary hemorrhagic, type 2. Last evaluated: 2025-03-05. Review status: criteria provided, single submitter. Criteria: ARUP Molecular Germline Variant Investigation Process 2024. Collection method: clinical testing. Allele origin: germline.
Comment: The ACVRL1 c.199C>T; p.Arg67Trp variant (rs1085307405) has been described in the medical literature in several individuals and families diagnosed with hereditary hemorrhagic telangiectasia (see Ha 2012, Olivieri 2002, Samol 2012) as well as one individual diagnosed with pulmonary arterial hypertension (Zhu 2019). This variant is also reported in the ClinVar database (Variation ID: 426010). It is only found on one allele in the Genome Aggregation Database (v2.1.1), indicating it is not a common polymorphism. This variant occurs in a functional domain (Scotti 2011), and computational analyses predict that this variant is deleterious (REVEL: 0.723). Based on available information, this variant is considered to be pathogenic. REFERENCES Ha M et al. Gastric angiodysplasia in a hereditary hemorrhagic telangiectasia type 2 patient. World J Gastroenterol. 2012 Apr 21;18(15):1840-4. PMID: 22553411. Olivieri C et al. Identification of 13 new mutations in the ACVRL1 gene in a group of 52 unselected Italian patients affected by hereditary haemorrhagic telangiectasia. J Med Genet. 2002 Jul;39(7):E39. PMID: 12114496. Samol A et al. A rare cause of fatal right ventricular cardiac decompensation. Cardiovasc Pathol. 2012 Nov-Dec;21(6):515-8.. PMID: 22377182. Scotti C et al. Bioinformatic analysis of pathogenic missense mutations of activin receptor like kinase 1 ectodomain. PLoS One. 2011;6(10):e26431. PMID: 22028876. Zhu N et al. Novel risk genes and mechanisms implicated by exome sequencing of 2572 individuals with pulmonary arterial hypertension. Genome Med. 2019 Nov 14;11(1):69. PMID: 31727138.

Ambry Genetics
Classification: Pathogenic for Cardiovascular phenotype. Last evaluated: 2024-10-02. Review status: criteria provided, single submitter. Criteria: Ambry Variant Classification Scheme 2023. Collection method: clinical testing. Allele origin: germline.
Comment: The p.R67W pathogenic mutation (also known as c.199C>T), located in coding exon 2 of the ACVRL1 gene, results from a C to T substitution at nucleotide position 199. The arginine at codon 67 is replaced by tryptophan, an amino acid with dissimilar properties. This variant was reported in multiple individuals with features consistent with, or who met clinical criteria for, hereditary hemorrhagic telangiectasia (HHT) (Olivieri C et al. J. Med. Genet., 2002 Jul;39:E39; Argyriou L et al. Liver Transpl., 2005 Sep;11:1132-5; Ha M et al. World J. Gastroenterol., 2012 Apr;18:1840-4; Samol A et al. Cardiovasc. Pathol.;21:515-8). Another variant at the same codon, p.R67Q (c.200G>A), has also been reported in association with HHT (Berg JN et al. Am. J. Hum. Genet., 1997 Jul;61:60-7; Canzonieri C et al. Genet. Med., 2014 Jan;16:3-10). This amino acid position is well conserved in available vertebrate species. In addition, this alteration is predicted to be deleterious by in silico analysis. Based on the supporting evidence, this variant is interpreted as a disease-causing mutation.

Blueprint Genetics
Classification: Pathogenic for ACVRL1-related disorders. Last evaluated: 2024-02-28. Review status: criteria provided, single submitter. Criteria: ACMG Guidelines, 2015. Collection method: clinical testing. Allele origin: germline. Affected: yes. Observed: 1 variant allele.

Centre of Medical Genetics, University Hospital Muenster
Classification: Pathogenic. Last evaluated: 2021-12-13. Review status: criteria provided, single submitter. Criteria: ACMG Guidelines, 2015. Collection method: clinical testing. Allele origin: unknown. Affected: yes. Observed: 1 variant allele, 1 heterozygote.
Comment: ACMG categories: PM1,PM2,PP3,PP4,PP5

MGZ Medical Genetics Center
Classification: Likely pathogenic for Telangiectasia, hereditary hemorrhagic, type 2. Last evaluated: 2021-08-27. Review status: criteria provided, single submitter. Criteria: ACMG Guidelines, 2015. Collection method: clinical testing. Allele origin: germline. Affected: yes. Observed: 1 variant allele.
Comment: ACMG criteria applied: PS4, PM1, PM2_SUP, PP3

PreventionGenetics, part of Exact Sciences
Classification: Pathogenic for ACVRL1-related condition. Last evaluated: 2023-11-15. Review status: no assertion criteria provided. Collection method: clinical testing. Allele origin: germline. Not counted in ClinVar's aggregate classification.
Comment: The ACVRL1 c.199C>T variant is predicted to result in the amino acid substitution p.Arg67Trp. This variant has been reported in multiple individuals with hereditary hemorrhagic telangiectasia (HTT) (Olivieri et al. 2002. PubMed ID: 12114496; Ha et al. 2012. PubMed ID: 22553411; Samol et al. 2012. PubMed ID: 22377182) and in a patient with HHT with pulmonary arterial hypertension (Table S3 in Zhu. 2019. PubMed ID: 31727138).  This variant is reported in 0.0065% of alleles in individuals of European (Non-Finnish) descent in gnomAD and has been interpreted as pathogenic and likely pathogenic by multiple submitters in ClinVar. This variant is interpreted as pathogenic.

Rare Disease Genomics Group, St George's University of London
Classification: Pathogenic for Pulmonary arterial hypertension related to hereditary hemorrhagic telangiectasia. Review status: no assertion criteria provided. Collection method: literature only. Allele origin: germline. Affected: yes. Not counted in ClinVar's aggregate classification.

Literature cited by the submitters: PubMed 12114496 (cited by Labcorp Genetics (formerly Invitae), Labcorp and Ambry Genetics); PubMed 15712271 (cited by Labcorp Genetics (formerly Invitae), Labcorp); PubMed 16123970 (cited by Labcorp Genetics (formerly Invitae), Labcorp and Ambry Genetics); PubMed 22377182 (cited by Labcorp Genetics (formerly Invitae), Labcorp and Ambry Genetics); PubMed 22553411 (cited by Labcorp Genetics (formerly Invitae), Labcorp and Ambry Genetics); PubMed 9245985 (cited by Labcorp Genetics (formerly Invitae), Labcorp and Ambry Genetics); PubMed 15880681 (cited by Labcorp Genetics (formerly Invitae), Labcorp and Ambry Genetics); PubMed 16706966 (cited by Labcorp Genetics (formerly Invitae), Labcorp and Ambry Genetics); PubMed 17786384 (cited by Labcorp Genetics (formerly Invitae), Labcorp); PubMed 18498373 (cited by Labcorp Genetics (formerly Invitae), Labcorp and Ambry Genetics); PubMed 23722869 (cited by Labcorp Genetics (formerly Invitae), Labcorp and Ambry Genetics); PubMed 10187774 (cited by Ambry Genetics); PubMed 16525724 (cited by Ambry Genetics); PubMed 23919827 (cited by Ambry Genetics and Rare Disease Genomics Group, St George's University of London); PubMed 31455059 (cited by Ambry Genetics).